The following is an entry in ClinVar:

NM_006885.4(ZFHX3):c.6501C>T (p.Asn2167=)

Genes: ZFHX3 (zinc finger homeobox 3; minus strand), ZFHX3-AS1 (ZFHX3 antisense RNA 1; plus strand). Cytogenetic location: 16q22.2.
Variant type: single nucleotide variant.
Coding change: c.6501C>T on transcript NM_006885.4 (MANE Select); coding-DNA position 6501, C replaced by T.
Protein change: p.Asn2167=; no amino-acid change (asparagine 2167 retained).
Molecular consequence: synonymous variant.
Genome position (GRCh38, 1-based): chr16:72,796,181, G>A on the plus strand (C>T on the coding strand, the complement: ZFHX3 is on the minus strand). VCF-style: chr16-72796181-G-A. GRCh37 (hg19) VCF-style: chr16-72830080-G-A.
Other names: c.3759C>T, p.Asn1253= (NM_001164766.2); c.6501C>T, p.Asn2167= (NM_001386735.1).
Identifiers: ClinVar variation 3040355 (VCV003040355.2), dbSNP rs367687288, ClinGen allele CA8163379.

ClinVar aggregate classification (germline): Likely benign (0 of 4 stars; one submission).

Conditions:
ZFHX3-related disorder. Also called: ZFHX3-related condition.

Allele frequency attached by ClinVar (database versions not stated): TOPMed 0.00005; gnomAD 0.00006; gnomAD exomes 0.00006; ExAC 0.00007; ESP Exome Variant Server 0.00008.
gnomAD v4.1: 87 of 1,614,008 alleles (0.0054%); highest among the groups gnomAD compares: Non-Finnish European, 0.0071%; no homozygotes.

Submission:

PreventionGenetics, part of Exact Sciences
Classification: Likely benign for ZFHX3-related condition. Last evaluated: 2019-09-13. Review status: no assertion criteria provided. Collection method: clinical testing. Allele origin: germline.
Comment: This variant is classified as likely benign based on ACMG/AMP sequence variant interpretation guidelines (Richards et al. 2015 PMID: 25741868, with internal and published modifications).